The following is an entry in ClinVar:

NM_001130144.3(LTBP3):c.3533C>T (p.Pro1178Leu)

Gene: LTBP3 (latent transforming growth factor beta binding protein 3; minus strand). Cytogenetic location: 11q13.1.
Variant type: single nucleotide variant.
Coding change: c.3533C>T on transcript NM_001130144.3 (MANE Select); coding-DNA position 3533, C replaced by T.
Protein change: p.Pro1178Leu; replaces proline 1178 with leucine.
Molecular consequence: missense variant.
Genome position (GRCh38, 1-based): chr11:65,539,734, G>A on the plus strand (C>T on the coding strand, the complement: LTBP3 is on the minus strand). VCF-style: chr11-65539734-G-A. GRCh37 (hg19) VCF-style: chr11-65307205-G-A.
Other names: c.3041C>T, p.Pro1014Leu (NM_001164266.1); c.3392C>T, p.Pro1131Leu (NM_021070.4); short protein forms P1178L, P1131L, P1014L.
Identifiers: ClinVar variation 2887670 (VCV002887670.3), dbSNP rs2496116050, ClinGen allele CA381266677.

ClinVar aggregate classification (germline): Uncertain significance (1 of 4 stars; one submission).

Conditions:
Brachyolmia-amelogenesis imperfecta syndrome. Also called: PLATYSPONDYLY WITH AMELOGENESIS IMPERFECTA; Tooth agenesis, selective, 6; Dental anomalies and short stature. Identifiers: Orphanet 2899, MedGen C1832594, MONDO:0011018, OMIM 601216. Disease mechanism: loss of function.

gnomAD v4.1: 2 of 1,546,290 alleles (0.00013%); highest among the groups gnomAD compares: Non-Finnish European, 0.00017%; no homozygotes.

Submission:

Labcorp Genetics (formerly Invitae), Labcorp
Classification: Uncertain significance for Brachyolmia-amelogenesis imperfecta syndrome. Last evaluated: 2024-03-13. Review status: criteria provided, single submitter. Criteria: Invitae Variant Classification Sherloc (09022015). Collection method: clinical testing. Allele origin: germline.
Comment: This sequence change replaces proline, which is neutral and non-polar, with leucine, which is neutral and non-polar, at codon 1178 of the LTBP3 protein (p.Pro1178Leu). This variant is not present in population databases (gnomAD no frequency). This variant has not been reported in the literature in individuals affected with LTBP3-related conditions. An algorithm developed to predict the effect of missense changes on protein structure and function (PolyPhen-2) suggests that this variant is likely to be disruptive. In summary, the available evidence is currently insufficient to determine the role of this variant in disease. Therefore, it has been classified as a Variant of Uncertain Significance.